The following is an entry in ClinVar:

NM_138694.4(PKHD1):c.7438A>T (p.Ile2480Phe)

Gene: PKHD1 (PKHD1 ciliary IPT domain containing fibrocystin/polyductin; minus strand). Cytogenetic location: 6p12.2.
Variant type: single nucleotide variant.
Coding change: c.7438A>T on transcript NM_138694.4 (MANE Select); coding-DNA position 7438, A replaced by T.
Protein change: p.Ile2480Phe; replaces isoleucine 2480 with phenylalanine.
Molecular consequence: missense variant.
Genome position (GRCh38, 1-based): chr6:51,870,552, T>A on the plus strand (A>T on the coding strand, the complement: PKHD1 is on the minus strand). VCF-style: chr6-51870552-T-A. GRCh37 (hg19) VCF-style: chr6-51735350-T-A.
Other names: c.7438A>T, p.Ile2480Phe (NM_170724.3); short protein forms I2480F.
Identifiers: ClinVar variation 1514716 (VCV001514716.4), dbSNP rs202008567, ClinGen allele CA138893571.

ClinVar aggregate classification (germline): Uncertain significance. Review status: criteria provided, multiple submitters, no conflicts (2 of 4 stars). 2 submissions from 2 submitters: Uncertain significance (2). Last evaluated 2022-10-13.

Conditions:
Autosomal recessive polycystic kidney disease (ARPKD). Also called: AR polycystic kidney disease. Identifiers: Orphanet 731, Orphanet 8378, MedGen C0085548, MeSH D017044, MONDO:0009889.
Polycystic kidney disease 4 (PKD4). Also called: POLYCYSTIC KIDNEY DISEASE 4 WITH OR WITHOUT POLYCYSTIC LIVER DISEASE; PKD3; Autosomal Recessive Polycystic Kidney Disease – PKHD1; POLYCYSTIC KIDNEY AND HEPATIC DISEASE 1; POLYCYSTIC KIDNEY DISEASE, INFANTILE, TYPE I. Identifiers: MedGen C4540575, MONDO:0033004, OMIM 263200.

Allele frequency attached by ClinVar (database versions not stated): gnomAD exomes below 0.00001; gnomAD 0.00001; TOPMed 0.00005; 1000 Genomes Project 30x 0.00016; 1000 Genomes Project 0.00020.
gnomAD v4.1: 9 of 1,608,610 alleles (0.00056%); highest among the groups gnomAD compares: Admixed American, 0.01%; no homozygotes.

Submissions (2):

Labcorp Genetics (formerly Invitae), Labcorp
Classification: Uncertain significance for Autosomal recessive polycystic kidney disease. Last evaluated: 2022-10-13. Review status: criteria provided, single submitter. Criteria: Invitae Variant Classification Sherloc (09022015). Collection method: clinical testing. Allele origin: germline.
Comment: This sequence change replaces isoleucine, which is neutral and non-polar, with phenylalanine, which is neutral and non-polar, at codon 2480 of the PKHD1 protein (p.Ile2480Phe). This variant is present in population databases (rs202008567, gnomAD 0.1%). This variant has not been reported in the literature in individuals affected with PKHD1-related conditions. ClinVar contains an entry for this variant (Variation ID: 1514716). Advanced modeling of protein sequence and biophysical properties (such as structural, functional, and spatial information, amino acid conservation, physicochemical variation, residue mobility, and thermodynamic stability) performed at Invitae indicates that this missense variant is not expected to disrupt PKHD1 protein function. In summary, the available evidence is currently insufficient to determine the role of this variant in disease. Therefore, it has been classified as a Variant of Uncertain Significance.

Fulgent Genetics
Classification: Uncertain significance for Polycystic kidney disease 4. Last evaluated: 2022-02-17. Review status: criteria provided, single submitter. Criteria: ACMG Guidelines, 2015. Collection method: clinical testing. Allele origin: unknown.